The following is an entry in ClinVar:

NM_005982.4(SIX1):c.639G>C (p.Met213Ile)

Gene: SIX1 (SIX homeobox 1; minus strand). Cytogenetic location: 14q23.1.
Variant type: single nucleotide variant.
Coding change: c.639G>C on transcript NM_005982.4 (MANE Select); coding-DNA position 639, G replaced by C.
Protein change: p.Met213Ile; replaces methionine 213 with isoleucine.
Molecular consequence: missense variant. On other transcripts: 3 prime UTR variant (1).
Genome position (GRCh38, 1-based): chr14:60,646,499, C>G on the plus strand (G>C on the coding strand, the complement: SIX1 is on the minus strand). VCF-style: chr14-60646499-C-G. GRCh37 (hg19) VCF-style: chr14-61113217-C-G.
Other names: c.*58G>C (NM_001425142.1); short protein forms M213I.
Identifiers: ClinVar variation 3899653 (VCV003899653.1).

ClinVar aggregate classification (germline): Uncertain significance (1 of 4 stars; one submission).

Submission:

GeneDx
Classification: Uncertain significance. Last evaluated: 2024-11-13. Review status: criteria provided, single submitter. Criteria: GeneDx Variant Classification Process June 2021. Collection method: clinical testing. Allele origin: germline. Affected: yes.
Comment: Not observed at significant frequency in large population cohorts (gnomAD); In silico analysis indicates that this missense variant does not alter protein structure/function; Has not been previously published as pathogenic or benign to our knowledge